The following is an entry in ClinVar:

ClinVar aggregate classification (germline): Uncertain significance (1 of 4 stars; one submission).

Conditions:
Familial cancer of breast. Also called: Hereditary breast cancer; hereditary breast carcinoma; BREAST CANCER, FAMILIAL. Identifiers: Orphanet 227535, MedGen C0346153, MONDO:0016419, OMIM 114480. Disease mechanism: loss of function.

Submission:

Labcorp Genetics (formerly Invitae), Labcorp
Classification: Uncertain significance for Familial cancer of breast. Last evaluated: 2022-10-09. Review status: criteria provided, single submitter. Criteria: Invitae Variant Classification Sherloc (09022015). Collection method: clinical testing. Allele origin: germline.
Comment: This variant is a gross deletion of the genomic region encompassing exon(s) 14 of the CHEK2 gene. This variant would be expected to be in-frame, preserving the integrity of the reading frame. This variant has not been reported in the literature in individuals affected with CHEK2-related conditions. Experimental studies and prediction algorithms are not available or were not evaluated, and the functional significance of this variant is currently unknown. In summary, the available evidence is currently insufficient to determine the role of this variant in disease. Therefore, it has been classified as a Variant of Uncertain Significance.

NC_000022.10:g.(?_29085113)_(29085213_?)del

Gene: CHEK2 (checkpoint kinase 2; minus strand). Cytogenetic location: 22q12.1.
Variant type: Deletion.
Identifiers: ClinVar variation 2425697 (VCV002425697.3).